The following is an entry in ClinVar:

NM_001164760.2(PRKAR1B):c.972C>T (p.Phe324=)

Gene: PRKAR1B (protein kinase cAMP-dependent type I regulatory subunit beta; minus strand). Cytogenetic location: 7p22.3.
Variant type: single nucleotide variant.
Coding change: c.972C>T on transcript NM_001164760.2 (MANE Select); coding-DNA position 972, C replaced by T.
Protein change: p.Phe324=; no amino-acid change (phenylalanine 324 retained).
Molecular consequence: synonymous variant.
Genome position (GRCh38, 1-based): chr7:551,390, G>A on the plus strand (C>T on the coding strand, the complement: PRKAR1B is on the minus strand). VCF-style: chr7-551390-G-A. GRCh37 (hg19) VCF-style: chr7-591027-G-A.
Other names: p.Phe324=; c.972C>T, p.Phe324= (NM_001164758.2, NM_001164759.1, NM_001164761.2 and 2 more transcripts).
Identifiers: ClinVar variation 787312 (VCV000787312.7), dbSNP rs144566354, ClinGen allele CA4109877.

ClinVar aggregate classification (germline): Benign/Likely benign. Review status: criteria provided, multiple submitters, no conflicts (2 of 4 stars). 3 submissions from 3 submitters: Benign (1); Likely benign (1). 1 of the submissions does not count toward it. Last evaluated 2025-02-18.

Conditions:
PRKAR1B-related disorder. Also called: PRKAR1B-related condition.

Allele frequency attached by ClinVar (database versions not stated): 1000 Genomes Project 0.00200; gnomAD exomes 0.00044; gnomAD 0.00195 and 0.00186; TOPMed 0.00206; 1000 Genomes Project 30x 0.00203; ExAC 0.00154; ESP Exome Variant Server 0.00189.
gnomAD v4.1: 557 of 1,556,964 alleles (0.036%); highest among the groups gnomAD compares: African/African-American, 0.63%; no homozygotes.

Submissions (3):

Mayo Clinic Laboratories, Mayo Clinic
Classification: Benign. Last evaluated: 2025-02-18. Review status: criteria provided, single submitter. Criteria: ACMG Guidelines, 2015. Collection method: clinical testing. Allele origin: germline. Observed: 1 variant allele.
Comment: BS1, BS2, BP4, BP7

Labcorp Genetics (formerly Invitae), Labcorp
Classification: Likely benign. Last evaluated: 2019-12-31. Review status: criteria provided, single submitter. Criteria: Invitae Variant Classification Sherloc (09022015). Collection method: clinical testing. Allele origin: germline.

PreventionGenetics, part of Exact Sciences
Classification: Likely benign for PRKAR1B-related condition. Last evaluated: 2019-03-12. Review status: no assertion criteria provided. Collection method: clinical testing. Allele origin: germline. Not counted in ClinVar's aggregate classification.
Comment: This variant is classified as likely benign based on ACMG/AMP sequence variant interpretation guidelines (Richards et al. 2015 PMID: 25741868, with internal and published modifications).